The following is an entry in ClinVar:

NM_001190274.2(FBXO11):c.1114C>G (p.Pro372Ala)

Gene: FBXO11 (F-box protein 11; minus strand). Cytogenetic location: 2p16.3.
Variant type: single nucleotide variant.
Coding change: c.1114C>G on transcript NM_001190274.2 (MANE Select); coding-DNA position 1114, C replaced by G.
Protein change: p.Pro372Ala; replaces proline 372 with alanine.
Molecular consequence: missense variant.
Genome position (GRCh38, 1-based): chr2:47,832,808, G>C on the plus strand (C>G on the coding strand, the complement: FBXO11 is on the minus strand). VCF-style: chr2-47832808-G-C. GRCh37 (hg19) VCF-style: chr2-48059947-G-C.
Other names: c.862C>G, p.Pro288Ala (NM_001374325.1, NM_025133.4); short protein forms P372A, P288A.
Identifiers: ClinVar variation 1358797 (VCV001358797.8), dbSNP rs2104810562, ClinGen allele CA346765821.

ClinVar aggregate classification (germline): Uncertain significance (1 of 4 stars; one submission).

gnomAD v4.1: 1 of 1,613,778 alleles (0.000062%); highest among the groups gnomAD compares: Non-Finnish European, 0.000085%; no homozygotes.

Submission:

Labcorp Genetics (formerly Invitae), Labcorp
Classification: Uncertain significance. Last evaluated: 2023-02-03. Review status: criteria provided, single submitter. Criteria: Invitae Variant Classification Sherloc (09022015). Collection method: clinical testing. Allele origin: germline.
Comment: This sequence change replaces proline, which is neutral and non-polar, with alanine, which is neutral and non-polar, at codon 372 of the FBXO11 protein (p.Pro372Ala). This variant is not present in population databases (gnomAD no frequency). This variant has not been reported in the literature in individuals affected with FBXO11-related conditions. ClinVar contains an entry for this variant (Variation ID: 1358797). Algorithms developed to predict the effect of missense changes on protein structure and function are either unavailable or do not agree on the potential impact of this missense change (SIFT: "Deleterious"; PolyPhen-2: "Benign"; Align-GVGD: "Class C0"). In summary, the available evidence is currently insufficient to determine the role of this variant in disease. Therefore, it has been classified as a Variant of Uncertain Significance.